The following is an entry in ClinVar:

NM_006031.6(PCNT):c.6729C>T (p.Pro2243=)

Gene: PCNT (pericentrin; plus strand). Cytogenetic location: 21q22.3.
Variant type: single nucleotide variant.
Coding change: c.6729C>T on transcript NM_006031.6 (MANE Select); coding-DNA position 6729, C replaced by T.
Protein change: p.Pro2243=; no amino-acid change (proline 2243 retained).
Molecular consequence: synonymous variant.
Genome position (GRCh38, 1-based): chr21:46,416,647, C>T. VCF-style: chr21-46416647-C-T. GRCh37 (hg19) VCF-style: chr21-47836561-C-T.
Other names: c.6375C>T, p.Pro2125= (NM_001315529.2).
Identifiers: ClinVar variation 2652828 (VCV002652828.28), dbSNP rs199824488, ClinGen allele CA10080385.

ClinVar aggregate classification (germline): Benign/Likely benign. Review status: criteria provided, multiple submitters, no conflicts (2 of 4 stars). 3 submissions from 3 submitters: Benign (1); Likely benign (2). Last evaluated 2024-11-20.

Allele frequency attached by ClinVar (database versions not stated): TOPMed 0.00007; ESP Exome Variant Server 0.00008; gnomAD exomes 0.00038; 1000 Genomes Project 0.00040; 1000 Genomes Project 30x 0.00047; gnomAD 0.00056; ExAC 0.00112.
gnomAD v4.1: 631 of 1,565,594 alleles (0.04%); highest among the groups gnomAD compares: Non-Finnish European, 0.01%; 5 homozygotes.

Submissions (3):

Blueprint Genetics
Classification: Likely benign. Last evaluated: 2024-11-20. Review status: criteria provided, single submitter. Criteria: ACMG Guidelines, 2015. Collection method: clinical testing. Allele origin: germline.

Labcorp Genetics (formerly Invitae), Labcorp
Classification: Benign. Last evaluated: 2024-11-12. Review status: criteria provided, single submitter. Criteria: Invitae Variant Classification Sherloc (09022015). Collection method: clinical testing. Allele origin: germline.

CeGaT Center for Human Genetics Tuebingen
Classification: Likely benign. Last evaluated: 2022-11-01. Review status: criteria provided, single submitter. Criteria: CeGaT Center For Human Genetics Tuebingen Variant Classification Criteria Version 2. Collection method: clinical testing. Allele origin: germline. Affected: yes. Observed: 1 variant allele.
Comment: PCNT: BP4, BP7